The following is an entry in ClinVar:

ClinVar aggregate classification (germline): Benign (1 of 4 stars; one submission).

Conditions:
Palmoplantar keratoderma-esophageal carcinoma syndrome (TOC). Also called: PALMOPLANTAR KERATODERMA WITH ESOPHAGEAL CANCER; KERATOSIS PALMARIS ET PLANTARIS WITH ESOPHAGEAL CANCER; Tylosis with Esophageal Cancer. Identifiers: Orphanet 2198, MedGen C1835664, MONDO:0007856, OMIM 148500.

Allele frequency attached by ClinVar (database versions not stated): TOPMed 0.00372; gnomAD 0.00360 and 0.00341; 1000 Genomes Project 0.00459; 1000 Genomes Project 30x 0.00578.

Submission:

Illumina Laboratory Services, Illumina
Classification: Benign for Palmoplantar keratoderma-esophageal carcinoma syndrome. Last evaluated: 2018-01-13. Review status: criteria provided, single submitter. Criteria: ICSL Variant Classification Criteria 13 December 2019. Collection method: clinical testing. Allele origin: germline.
Comment: This variant was observed in the ICSL laboratory as part of a predisposition screen in an ostensibly healthy population. It had not been previously curated by ICSL or reported in the Human Gene Mutation Database (HGMD: prior to June 1st, 2018), and was therefore a candidate for classification through an automated scoring system. Utilizing variant allele frequency, disease prevalence and penetrance estimates, and inheritance mode, an automated score was calculated to assess if this variant is too frequent to cause the disease. Based on the score and internal cut-off values, a variant classified as benign is not then subjected to further curation. The score for this variant resulted in a classification of benign for this disease.

NM_024599.5(RHBDF2):c.-305C>G

Gene: RHBDF2 (rhomboid 5 homolog 2; minus strand). Cytogenetic location: 17q25.1.
Variant type: single nucleotide variant.
Coding change: c.-305C>G on transcript NM_024599.5; 305 bases upstream of the start codon, C replaced by G.
Genome position (GRCh38, 1-based): chr17:76,501,438, G>C on the plus strand (C>G on the coding strand, the complement: RHBDF2 is on the minus strand). VCF-style: chr17-76501438-G-C. GRCh37 (hg19) VCF-style: chr17-74497520-G-C.
Identifiers: ClinVar variation 369231 (VCV000369231.7), dbSNP rs554316005, ClinGen allele CA10654569.